The following is an entry in ClinVar:

NM_001379286.1(ZNF423):c.3021C>T (p.Ser1007=)

Gene: ZNF423 (zinc finger protein 423; minus strand). Cytogenetic location: 16q12.1.
Variant type: single nucleotide variant.
Coding change: c.3021C>T on transcript NM_001379286.1 (MANE Select); coding-DNA position 3021, C replaced by T.
Protein change: p.Ser1007=; no amino-acid change (serine 1007 retained).
Molecular consequence: synonymous variant.
Genome position (GRCh38, 1-based): chr16:49,636,155, G>A on the plus strand (C>T on the coding strand, the complement: ZNF423 is on the minus strand). VCF-style: chr16-49636155-G-A. GRCh37 (hg19) VCF-style: chr16-49670066-G-A.
Other names: c.2817C>T, p.Ser939= (NM_001271620.2); c.2646C>T, p.Ser882= (NM_001330533.2); c.2997C>T, p.Ser999= (NM_015069.5).
Identifiers: ClinVar variation 1100305 (VCV001100305.32), dbSNP rs199536152, ClinGen allele CA8046397.

ClinVar aggregate classification (germline): Likely benign. Review status: criteria provided, multiple submitters, no conflicts (2 of 4 stars). 2 submissions from 2 submitters: Likely benign (2). Last evaluated 2025-07-01.

Conditions:
Nephronophthisis 14 (NPHP14). Identifiers: Orphanet 2318, MedGen C3539071, MONDO:0013916, OMIM 614844.

Allele frequency attached by ClinVar (database versions not stated): gnomAD 0.00004 and 0.00005; gnomAD exomes 0.00005; ExAC 0.00007; TOPMed 0.00007; 1000 Genomes Project 30x 0.00016; 1000 Genomes Project 0.00020.
gnomAD v4.1: 76 of 1,613,692 alleles (0.0047%); highest among the groups gnomAD compares: Middle Eastern, 0.016%; no homozygotes.

Submissions (2):

CeGaT Center for Human Genetics Tuebingen
Classification: Likely benign. Last evaluated: 2025-07-01. Review status: criteria provided, single submitter. Criteria: CeGaT Center For Human Genetics Tuebingen Variant Classification Criteria Version 2. Collection method: clinical testing. Allele origin: germline. Affected: yes. Observed: 2 variant alleles.
Comment: ZNF423: BP4, BP7

Labcorp Genetics (formerly Invitae), Labcorp
Classification: Likely benign for Nephronophthisis 14. Last evaluated: 2024-10-16. Review status: criteria provided, single submitter. Criteria: Invitae Variant Classification Sherloc (09022015). Collection method: clinical testing. Allele origin: germline.